The following is an entry in ClinVar:

NM_194248.3(OTOF):c.1966del (p.Arg656fs)

Gene: OTOF (otoferlin; minus strand). Cytogenetic location: 2p23.3.
Variant type: Deletion.
Coding change: c.1966del on transcript NM_194248.3 (MANE Select); coding-DNA position 1966, one base deleted (C; older notation c.1966delC).
Protein change: p.Arg656fs; shifts the reading frame from arginine 656.
Molecular consequence: frameshift variant.
Genome position (GRCh38, 1-based): chr2:26,479,600, G deleted on the plus strand (C on the coding strand, the reverse complement: OTOF is on the minus strand); the first of 4 consecutive G bases (chr2:26,479,600-26,479,603); deleting any one gives the same sequence. VCF-style (leftmost placement, unchanged base first): chr2-26479599-CG-C. GRCh37 (hg19) VCF-style: chr2-26702467-CG-C.
Other names: c.1966delC (NM_001287489.2, NM_194248.2); c.1966del, p.Arg656fs (NM_001287489.2); short protein forms R656fs.
Identifiers: ClinVar variation 65786 (VCV000065786.13), dbSNP rs397515590, ClinGen allele CA345100.
Genomic context (GRCh38, chr2:26,479,599, plus strand): 5'-GCCTCGTCATCACTTGCGTTCTGAATCAGGTCTACTTCTTCCTCATCCCCCGGCTCCTTC[CG>C]GGGCCGAGGCCGCTGGGGCCGGGACAGGCCATCAACTTCGTTCCCATAGTTGCCTGGAGC-3'

ClinVar aggregate classification (germline): Pathogenic. Review status: criteria provided, multiple submitters, no conflicts (2 of 4 stars). 6 submissions from 6 submitters: Pathogenic (4). 2 of the submissions do not count toward it. Last evaluated 2025-10-15.

Conditions:
OTOF-related disorder. Also called: OTOF-related condition.
Autosomal recessive nonsyndromic hearing loss 9. Also called: AUDITORY NEUROPATHY, AUTOSOMAL RECESSIVE, 1, TEMPERATURE-SENSITIVE; Deafness, autosomal recessive 9; OTOF-Related Hearing Loss; NEUROSENSORY NONSYNDROMIC RECESSIVE DEAFNESS 9. Identifiers: Orphanet 90636, MedGen C1832828, MONDO:0010986, OMIM 601071.

Submissions (6):

PreventionGenetics, part of Exact Sciences
Classification: Pathogenic for OTOF-related condition. Last evaluated: 2025-10-15. Review status: criteria provided, single submitter. Criteria: ACMG Guidelines, 2015. Collection method: clinical testing. Allele origin: germline.
Comment: The OTOF c.1966delC variant is predicted to result in a frameshift and premature protein termination (p.Arg656Glyfs*10). This variant was reported in the homozygous or compound heterozygous state in multiple individuals with nonsyndromic hearing loss (Santarelli et al. 2009. PubMed ID: 19636622; Santarelli et al. 2015. PubMed ID: 26188103; Vallian Broojeni et al. 2023. PubMed ID: 37561809; Peart et al. 2023. PubMed ID: 37996878). This variant is reported in 0.0029% of alleles in individuals of Latino descent in gnomAD. Frameshift variants in OTOF are expected to be pathogenic. This variant is interpreted as pathogenic.

GeneDx
Classification: Pathogenic. Last evaluated: 2025-06-25. Review status: criteria provided, single submitter. Criteria: GeneDx Variant Classification Process June 2021. Collection method: clinical testing. Allele origin: germline. Affected: yes.
Comment: Frameshift variant predicted to result in protein truncation or nonsense mediated decay in a gene for which loss-of-function is a known mechanism of disease; Not observed at significant frequency in large population cohorts (gnomAD); This variant is associated with the following publications: (PMID: 26188103, 22906306, 31589614, 37561809, 19636622, 37996878)

Labcorp Genetics (formerly Invitae), Labcorp
Classification: Pathogenic. Last evaluated: 2024-09-12. Review status: criteria provided, single submitter. Criteria: Invitae Variant Classification Sherloc (09022015). Collection method: clinical testing. Allele origin: germline.
Comment: This sequence change creates a premature translational stop signal (p.Arg656Glyfs*10) in the OTOF gene. It is expected to result in an absent or disrupted protein product. Loss-of-function variants in OTOF are known to be pathogenic (PMID: 18381613, 19250381, 22575033). This variant is present in population databases (rs397515590, gnomAD 0.003%). This premature translational stop signal has been observed in individual(s) with deafness (PMID: 19636622). ClinVar contains an entry for this variant (Variation ID: 65786). Algorithms developed to predict the effect of sequence changes on RNA splicing suggest that this variant may disrupt the consensus splice site. For these reasons, this variant has been classified as Pathogenic.

Blueprint Genetics
Classification: Pathogenic for OTOF-related disorders. Last evaluated: 2022-03-07. Review status: criteria provided, single submitter. Criteria: ACMG Guidelines, 2015. Collection method: clinical testing. Allele origin: germline. Affected: yes. Observed: 1 variant allele.

Diagnosis and Treatment Center of Genetic Hearing Loss, Eye & ENT Hospital of Fudan University
Classification: Likely pathogenic for Autosomal recessive nonsyndromic hearing loss 9. Last evaluated: 2026-02-04. Review status: no assertion criteria provided. Collection method: clinical testing. Allele origin: germline. Inheritance: Autosomal recessive inheritance. Affected: yes. Not counted in ClinVar's aggregate classification.
Comment: The c.1966del frameshift variant in OTOF leads to a premature stop codon and predicted NMD (PVS1). The maximum population frequency is 0.000004 (PM2_Supporting). It has been reported in at least three patients: two in trans with a second pathogenic variant (c.[1966del];[1609del] and c.[1966del];[2122C>T]) and one homozygous (PM3_Strong). The phenotype is consistent with auditory neuropathy (PP4). (PMID: 19636622, 26188103, 37561809, 37996878)

GeneReviews
No classification provided. Condition: Autosomal recessive nonsyndromic hearing loss 9. Review status: no classification provided. Collection method: literature only. Allele origin: unknown. Not counted in ClinVar's aggregate classification.

Literature cited by the submitters: PubMed 18381613 (cited by Labcorp Genetics (formerly Invitae), Labcorp); PubMed 19250381 (cited by Labcorp Genetics (formerly Invitae), Labcorp); PubMed 22575033 (cited by Labcorp Genetics (formerly Invitae), Labcorp); PubMed 19636622 (cited by 3 submitters); PubMed 26188103 (cited by Diagnosis and Treatment Center of Genetic Hearing Loss, Eye & ENT Hospital of Fudan University); PubMed 37561809 (cited by Diagnosis and Treatment Center of Genetic Hearing Loss, Eye & ENT Hospital of Fudan University); PubMed 37996878 (cited by Diagnosis and Treatment Center of Genetic Hearing Loss, Eye & ENT Hospital of Fudan University); PubMed 20301429 (cited by GeneReviews); NCBI Bookshelf NBK1251 (cited by GeneReviews).